The following is an entry in ClinVar:

ClinVar aggregate classification (germline): Uncertain significance (1 of 4 stars; one submission).

Allele frequency attached by ClinVar (database versions not stated): gnomAD exomes 0.00001; TOPMed 0.00002; gnomAD 0.00003.
gnomAD v4.1: 12 of 1,614,076 alleles (0.00074%); highest among the groups gnomAD compares: Admixed American, 0.0017%; no homozygotes.

Submission:

Labcorp Genetics (formerly Invitae), Labcorp
Classification: Uncertain significance. Last evaluated: 2025-04-28. Review status: criteria provided, single submitter. Criteria: Invitae Variant Classification Sherloc (09022015). Collection method: clinical testing. Allele origin: germline.
Comment: This sequence change affects codon 309 of the OPN1SW mRNA. It is a 'silent' change, meaning that it does not change the encoded amino acid sequence of the OPN1SW protein. This variant also falls at the last nucleotide of exon 4, which is part of the consensus splice site for this exon. This variant is present in population databases (no rsID available, gnomAD 0.007%). This variant has not been reported in the literature in individuals affected with OPN1SW-related conditions. ClinVar contains an entry for this variant (Variation ID: 1056477). Variants that disrupt the consensus splice site are a relatively common cause of aberrant splicing (PMID: 17576681, 9536098). Algorithms developed to predict the effect of sequence changes on RNA splicing suggest that this variant may disrupt the consensus splice site. In summary, the available evidence is currently insufficient to determine the role of this variant in disease. Therefore, it has been classified as a Variant of Uncertain Significance.

Literature cited by the submitters: PubMed 17576681; PubMed 9536098.

NM_001385125.1(OPN1SW):c.918G>A (p.Gln306=)

Gene: OPN1SW (opsin 1, short wave sensitive; minus strand). Cytogenetic location: 7q32.1.
Variant type: single nucleotide variant.
Coding change: c.918G>A on transcript NM_001385125.1 (MANE Select); coding-DNA position 918, G replaced by A.
Protein change: p.Gln306=; no amino-acid change (glutamine 306 retained).
Molecular consequence: synonymous variant.
Genome position (GRCh38, 1-based): chr7:128,773,649, C>T on the plus strand (G>A on the coding strand, the complement: OPN1SW is on the minus strand). VCF-style: chr7-128773649-C-T. GRCh37 (hg19) VCF-style: chr7-128413703-C-T.
Identifiers: ClinVar variation 1056477 (VCV001056477.7), dbSNP rs1175450974, ClinGen allele CA457844872.
Genomic context (GRCh38, chr7:128,773,649, plus strand): 5'-CAATGGTGAGAAAAGAACCAGGGTCTTCTGGACCATAGGAATGTGAATAAAGAGCTTTAC[C>T]TGCTTATTCATGAAGCAGTAGATGATGGGATTGTAGATGCAAGCACTCTTGGAGAAGAAT-3'
Protein context (NP_001372054.1, residues 296-316): NPIIYCFMNK[Gln306=]FQACIMKMVC